The following is an entry in ClinVar:

ClinVar aggregate classification (germline): Uncertain significance. Review status: criteria provided, multiple submitters, no conflicts (2 of 4 stars). 3 submissions from 3 submitters: Uncertain significance (3). Last evaluated 2025-12-19.

Conditions:
Inborn genetic diseases. Identifiers: MedGen C0950123, MeSH D030342.
Charcot-Marie-Tooth disease type 2E (CMT2E). Also called: CHARCOT-MARIE-TOOTH NEUROPATHY, TYPE 2E; CHARCOT-MARIE-TOOTH DISEASE, AXONAL, TYPE 2E. Identifiers: Orphanet 99939, MedGen C1843225, MONDO:0011894, OMIM 607684.

Allele frequency attached by ClinVar (database versions not stated): gnomAD exomes below 0.00001 and 0.00003; ExAC 0.00001; gnomAD 0.00001; TOPMed 0.00002.
gnomAD v4.1: 42 of 1,608,618 alleles (0.0026%); highest among the groups gnomAD compares: Non-Finnish European, 0.0033%; no homozygotes.

Submissions (3):

GeneDx
Classification: Uncertain significance. Last evaluated: 2025-12-19. Review status: criteria provided, single submitter. Criteria: GeneDx Variant Classification Process June 2021. Collection method: clinical testing. Allele origin: germline. Affected: yes.
Comment: In silico analysis supports that this missense variant has a deleterious effect on protein structure/function; Has not been previously published as pathogenic or benign to our knowledge

Ambry Genetics
Classification: Uncertain significance for Inborn genetic diseases. Last evaluated: 2025-08-28. Review status: criteria provided, single submitter. Criteria: Ambry Variant Classification Scheme 2023. Collection method: clinical testing. Allele origin: germline.

Labcorp Genetics (formerly Invitae), Labcorp
Classification: Uncertain significance for Charcot-Marie-Tooth disease type 2E. Last evaluated: 2024-10-18. Review status: criteria provided, single submitter. Criteria: Invitae Variant Classification Sherloc (09022015). Collection method: clinical testing. Allele origin: germline.
Comment: This sequence change replaces leucine, which is neutral and non-polar, with phenylalanine, which is neutral and non-polar, at codon 216 of the NEFL protein (p.Leu216Phe). The frequency data for this variant in the population databases is considered unreliable, as metrics indicate poor data quality at this position in the gnomAD database. This variant has not been reported in the literature in individuals affected with NEFL-related conditions. ClinVar contains an entry for this variant (Variation ID: 1202047). Invitae Evidence Modeling of protein sequence and biophysical properties (such as structural, functional, and spatial information, amino acid conservation, physicochemical variation, residue mobility, and thermodynamic stability) indicates that this missense variant is expected to disrupt NEFL protein function with a positive predictive value of 80%. In summary, the available evidence is currently insufficient to determine the role of this variant in disease. Therefore, it has been classified as a Variant of Uncertain Significance.

NM_006158.5(NEFL):c.648G>C (p.Leu216Phe)

Gene: NEFL (neurofilament light chain; minus strand). Cytogenetic location: 8p21.2.
Variant type: single nucleotide variant.
Coding change: c.648G>C on transcript NM_006158.5 (MANE Select); coding-DNA position 648, G replaced by C.
Protein change: p.Leu216Phe; replaces leucine 216 with phenylalanine.
Molecular consequence: missense variant.
Genome position (GRCh38, 1-based): chr8:24,955,868, C>G on the plus strand (G>C on the coding strand, the complement: NEFL is on the minus strand). VCF-style: chr8-24955868-C-G. GRCh37 (hg19) VCF-style: chr8-24813382-C-G.
Other names: short protein forms L216F.
Identifiers: ClinVar variation 1202047 (VCV001202047.10), dbSNP rs35575466, ClinGen allele CA4681458.